The following is an entry in ClinVar:

ClinVar aggregate classification (germline): Uncertain significance (1 of 4 stars; one submission).

Conditions:
Tuberous sclerosis 2 (TSC2). Identifiers: Orphanet 805, MedGen C1860707, MONDO:0013199, OMIM 613254.

Submission:

Labcorp Genetics (formerly Invitae), Labcorp
Classification: Uncertain significance for Tuberous sclerosis 2. Last evaluated: 2024-04-29. Review status: criteria provided, single submitter. Criteria: Invitae Variant Classification Sherloc (09022015). Collection method: clinical testing. Allele origin: germline.
Comment: This sequence change replaces lysine, which is basic and polar, with glutamic acid, which is acidic and polar, at codon 1632 of the TSC2 protein (p.Lys1632Glu). This variant is not present in population databases (gnomAD no frequency). This variant has not been reported in the literature in individuals affected with TSC2-related conditions. ClinVar contains an entry for this variant (Variation ID: 946823). Advanced modeling of protein sequence and biophysical properties (such as structural, functional, and spatial information, amino acid conservation, physicochemical variation, residue mobility, and thermodynamic stability) performed at Invitae indicates that this missense variant is not expected to disrupt TSC2 protein function with a negative predictive value of 95%. In summary, the available evidence is currently insufficient to determine the role of this variant in disease. Therefore, it has been classified as a Variant of Uncertain Significance.

NM_000548.5(TSC2):c.4894A>G (p.Lys1632Glu)

Gene: TSC2 (TSC complex subunit 2; plus strand). Cytogenetic location: 16p13.3.
Variant type: single nucleotide variant.
Coding change: c.4894A>G on transcript NM_000548.5 (MANE Select); coding-DNA position 4894, A replaced by G.
Protein change: p.Lys1632Glu; replaces lysine 1632 with glutamic acid.
Molecular consequence: missense variant.
Genome position (GRCh38, 1-based): chr16:2,086,776, A>G. VCF-style: chr16-2086776-A-G. GRCh37 (hg19) VCF-style: chr16-2136777-A-G.
Other names: c.4762A>G, p.Lys1588Glu (NM_001370404.1); c.4765A>G, p.Lys1589Glu (NM_001370405.1, NM_021055.3); c.4693A>G, p.Lys1565Glu (NM_001077183.3); c.4825A>G, p.Lys1609Glu (NM_001114382.3); c.4585A>G, p.Lys1529Glu (NM_001318827.2); c.4549A>G, p.Lys1517Glu (NM_001318829.2); c.4162A>G, p.Lys1388Glu (NM_001318831.2); c.4726A>G, p.Lys1576Glu (NM_001318832.2); and 1 more; short protein forms K1529E, K1566E, K1609E, K1632E, K1388E, K1517E, K1589E, K1565E.
Identifiers: ClinVar variation 946823 (VCV000946823.9), dbSNP rs2090855880, ClinGen allele CA394308409.